The following is an entry in ClinVar:

NM_001854.4(COL11A1):c.497G>A (p.Arg166Gln)

Gene: COL11A1 (collagen type XI alpha 1 chain; minus strand). Cytogenetic location: 1p21.1.
Variant type: single nucleotide variant.
Coding change: c.497G>A on transcript NM_001854.4 (MANE Select); coding-DNA position 497, G replaced by A.
Protein change: p.Arg166Gln; replaces arginine 166 with glutamine.
Molecular consequence: missense variant. On other transcripts: non-coding transcript variant (1).
Genome position (GRCh38, 1-based): chr1:103,074,772, C>T on the plus strand (G>A on the coding strand, the complement: COL11A1 is on the minus strand). VCF-style: chr1-103074772-C-T. GRCh37 (hg19) VCF-style: chr1-103540328-C-T.
Other names: c.497G>A, p.Arg166Gln (NM_001190709.2, NM_080629.3, NM_080630.4); short protein forms R166Q.
Identifiers: ClinVar variation 1189328 (VCV001189328.13), dbSNP rs142753283, ClinGen allele CA975423.
Genomic context (GRCh38, chr1:103,074,772, plus strand): 5'-GTTTTCTTCTTACAATCAACAATCATTGTCACAGTTTTCTTCTCCACGCTGATTGCTACC[C>T]GATGCCACCTAAAAAAGACAAGTAATTCTTTTGTAAGCTTCAAAGAAACAGTGGTTGCCA-3'
Protein context (NP_001845.3, residues 156-176): TVNIADGKWH[Arg166Gln]VAISVEKKTV

ClinVar aggregate classification (germline): Conflicting classifications of pathogenicity. Review status: criteria provided, conflicting classifications (1 of 4 stars). 5 submissions from 5 submitters: Uncertain significance (3); Benign (1). 1 of the submissions does not count toward it. Last evaluated 2026-01-12.

Conditions:
COL11A1-related disorder. Also called: COL11A1-related condition; COL11A1-related disorders.

gnomAD v4.1: 20 of 1,612,938 alleles (0.0012%); highest among the groups gnomAD compares: South Asian, 0.0033%; no homozygotes.

Submissions (6):

Labcorp Genetics (formerly Invitae), Labcorp
Classification: Benign. Last evaluated: 2026-01-12. Review status: criteria provided, single submitter. Criteria: Invitae Variant Classification Sherloc (09022015). Collection method: clinical testing. Allele origin: germline.

GeneDx
Classification: Uncertain significance. Last evaluated: 2024-10-23. Review status: criteria provided, single submitter. Criteria: GeneDx Variant Classification Process June 2021. Collection method: clinical testing. Allele origin: germline. Affected: yes.
Comment: Not observed at significant frequency in large population cohorts (gnomAD); In silico analysis supports that this missense variant has a deleterious effect on protein structure/function; Has not been previously published as pathogenic or benign to our knowledge

Women's Health and Genetics/Laboratory Corporation of America, LabCorp
Classification: Uncertain significance. Last evaluated: 2024-09-09. Review status: criteria provided, single submitter. Criteria: LabCorp Variant Classification Summary - May 2015. Collection method: clinical testing. Allele origin: germline.
Comment: Variant summary: COL11A1 c.497G>A (p.Arg166Gln) results in a conservative amino acid change located in the Laminin G domain (IPR001791) of the encoded protein sequence. Three of five in-silico tools predict a damaging effect of the variant on protein function. The variant allele was found at a frequency of 1.2e-05 in 250892 control chromosomes. The available data on variant occurrences in the general population are insufficient to allow any conclusion about variant significance. To our knowledge, no occurrence of c.497G>A in individuals affected with Stickler Syndrome and no experimental evidence demonstrating its impact on protein function have been reported. ClinVar contains an entry for this variant (Variation ID: 1189328). Based on the evidence outlined above, the variant was classified as uncertain significance.

Blueprint Genetics
Classification: Uncertain significance. Last evaluated: 2024-06-27. Review status: criteria provided, single submitter. Criteria: ACMG Guidelines, 2015. Collection method: clinical testing. Allele origin: germline.

PreventionGenetics, part of Exact Sciences
Classification: Uncertain significance for COL11A1-related condition. Last evaluated: 2024-08-23. Review status: no assertion criteria provided. Collection method: clinical testing. Allele origin: germline. Not counted in ClinVar's aggregate classification.
Comment: The COL11A1 c.497G>A variant is predicted to result in the amino acid substitution p.Arg166Gln. To our knowledge, this variant has not been reported in the literature. This variant is reported in 0.0054% of alleles in individuals of East Asian descent in gnomAD. At this time, the clinical significance of this variant is uncertain due to the absence of conclusive functional and genetic evidence.

Dr. Peter K. Rogan Lab, Western University
No classification provided (evidence only). Condition: Squamous cell carcinoma of the head and neck. Review status: no classification provided. Collection method: in vitro. Allele origin: not applicable. Functional consequence: retained intron. Not counted in ClinVar's aggregate classification.